The following is an entry in ClinVar:

ClinVar aggregate classification (germline): Benign/Likely benign. Review status: criteria provided, multiple submitters, no conflicts (2 of 4 stars). 7 submissions from 7 submitters: Benign (6); Likely benign (1). Last evaluated 2026-02-04.

Conditions:
Centromeric instability of chromosomes 1,9 and 16 and immunodeficiency (ICF1). Also called: IMMUNE DEFICIENCY, VARIABLE, WITH CENTROMERIC INSTABILITY OF CHROMOSOMES 1, 9, AND 16; IMMUNODEFICIENCY SYNDROME, VARIABLE; CENTROMERIC INSTABILITY, IMMUNODEFICIENCY SYNDROME; Immunodeficiency-centromeric instability-facial anomalies. Identifiers: Orphanet 2268, MedGen C0398788, MONDO:0000133.
Immunodeficiency-centromeric instability-facial anomalies syndrome 1 (ICF1). Identifiers: Orphanet 2268, MedGen C4551557, MONDO:0009454, OMIM 242860.

Allele frequency attached by ClinVar (database versions not stated): gnomAD exomes 0.49411 and 0.58267; ESP Exome Variant Server 0.57912; ExAC 0.58058; gnomAD 0.59749 and 0.60148; TOPMed 0.62437; 1000 Genomes Project 30x 0.75094; 1000 Genomes Project 0.75579.
gnomAD v4.1: 816,086 of 1,613,938 alleles (51%); highest among the groups gnomAD compares: East Asian, 100%; 222,097 homozygotes.

Submissions (7):

Labcorp Genetics (formerly Invitae), Labcorp
Classification: Benign for Centromeric instability of chromosomes 1,9 and 16 and immunodeficiency. Last evaluated: 2026-02-04. Review status: criteria provided, single submitter. Criteria: Invitae Variant Classification Sherloc (09022015). Collection method: clinical testing. Allele origin: germline.

Blueprint Genetics
Classification: Likely benign. Last evaluated: 2024-11-28. Review status: criteria provided, single submitter. Criteria: ACMG Guidelines, 2015. Collection method: clinical testing. Allele origin: germline.

Mayo Clinic Laboratories, Mayo Clinic
Classification: Benign. Last evaluated: 2022-09-06. Review status: criteria provided, single submitter. Criteria: ACMG Guidelines, 2015. Collection method: clinical testing. Allele origin: germline. Observed: 65 variant alleles.

Genome-Nilou Lab
Classification: Benign for Immunodeficiency-centromeric instability-facial anomalies syndrome 1. Last evaluated: 2021-07-30. Review status: criteria provided, single submitter. Criteria: ACMG Guidelines, 2015. Collection method: clinical testing. Allele origin: germline. Affected: no.

Illumina Laboratory Services, Illumina
Classification: Benign for Immunodeficiency-centromeric instability-facial anomalies syndrome 1. Last evaluated: 2018-01-13. Review status: criteria provided, single submitter. Criteria: ICSL Variant Classification Criteria 13 December 2019. Collection method: clinical testing. Allele origin: germline.
Comment: This variant was observed in the ICSL laboratory as part of a predisposition screen in an ostensibly healthy population. It had not been previously curated by ICSL or reported in the Human Gene Mutation Database (HGMD: prior to June 1st, 2018), and was therefore a candidate for classification through an automated scoring system. Utilizing variant allele frequency, disease prevalence and penetrance estimates, and inheritance mode, an automated score was calculated to assess if this variant is too frequent to cause the disease. Based on the score and internal cut-off values, a variant classified as benign is not then subjected to further curation. The score for this variant resulted in a classification of benign for this disease.

Laboratory for Molecular Medicine, Mass General Brigham Personalized Medicine
Classification: Benign. Last evaluated: 2016-03-29. Review status: criteria provided, single submitter. Criteria: LMM Criteria. Collection method: clinical testing. Allele origin: germline.
Comment: Variant identified in a genome or exome case(s) and assessed due to predicted null impact of the variant or pathogenic assertions in the literature or databases. Disclaimer: This variant has not undergone full assessment. The following are preliminary notes: Frequency

Breakthrough Genomics
Classification: Benign. Review status: criteria provided, single submitter. Criteria: ACMG Guidelines, 2015. Collection method: not provided. Allele origin: germline. Inheritance: Autosomal recessive inheritance. Affected: yes.

NM_006892.4(DNMT3B):c.1572T>C (p.Cys524=)

Genes: DNMT3B (DNA methyltransferase 3 beta; plus strand), LOC126863014 (CDK7 strongly-dependent group 2 enhancer GRCh37_chr20:31385992-31387191; plus strand). Cytogenetic location: 20q11.21.
Variant type: single nucleotide variant.
Coding change: c.1572T>C on transcript NM_006892.4 (MANE Select); coding-DNA position 1572, T replaced by C.
Protein change: p.Cys524=; no amino-acid change (cysteine 524 retained).
Molecular consequence: synonymous variant.
Genome position (GRCh38, 1-based): chr20:32,798,541, T>C. VCF-style: chr20-32798541-T-C. GRCh37 (hg19) VCF-style: chr20-31386347-T-C.
Other names: p.Cys524=; c.1386T>C, p.Cys462= (NM_001207055.2); c.1284T>C, p.Cys428= (NM_001207056.2); c.1512T>C, p.Cys504= (NM_175848.2, NM_175849.2); c.1548T>C, p.Cys516= (NM_175850.3).
Identifiers: ClinVar variation 338170 (VCV000338170.23), dbSNP rs6058891, ClinGen allele CA9810633.
Genomic context (GRCh38, chr20:32,798,541, plus strand): 5'-GGAGGTGCTGGTGGGCACAGGCACAGCGGCCGAGGCCAAGCTTCAGGAGCCCTGGAGCTG[T>C]TACATGTGTCTCCCGCAGCGCTGTCATGGCGTCCTGCGGCGCCGGAAGGACTGGAACGTG-3'
Protein context (NP_008823.1, residues 514-534): AEAKLQEPWS[Cys524=]YMCLPQRCHG